The following is an entry in ClinVar:

ClinVar aggregate classification (germline): Uncertain significance (1 of 4 stars; one submission).

Conditions:
Retinitis pigmentosa 12 (RP12). Also called: RP WITH OR WITHOUT PPRPE; RP WITH OR WITHOUT PRESERVED PARAARTERIOLE RETINAL PIGMENT EPITHELIUM; RETINITIS PIGMENTOSA WITH OR WITHOUT PARAARTERIOLAR PRESERVATION OF RETINAL PIGMENT EPITHELIUM. Identifiers: Orphanet 791, MedGen C1838647, MONDO:0010818, OMIM 600105.
Leber congenital amaurosis 8 (LCA8). Identifiers: Orphanet 65, MedGen C3151202, MONDO:0013453, OMIM 613835.

gnomAD v4.1: 1 of 1,614,168 alleles (0.000062%); no homozygotes.

Submission:

Labcorp Genetics (formerly Invitae), Labcorp
Classification: Uncertain significance for Leber congenital amaurosis 8; Retinitis pigmentosa 12. Last evaluated: 2024-02-24. Review status: criteria provided, single submitter. Criteria: Invitae Variant Classification Sherloc (09022015). Collection method: clinical testing. Allele origin: germline.
Comment: This sequence change replaces alanine, which is neutral and non-polar, with valine, which is neutral and non-polar, at codon 668 of the CRB1 protein (p.Ala668Val). This variant is not present in population databases (gnomAD no frequency). This variant has not been reported in the literature in individuals affected with CRB1-related conditions. ClinVar contains an entry for this variant (Variation ID: 2187657). Advanced modeling of protein sequence and biophysical properties (such as structural, functional, and spatial information, amino acid conservation, physicochemical variation, residue mobility, and thermodynamic stability) has been performed at Invitae for this missense variant, however the output from this modeling did not meet the statistical confidence thresholds required to predict the impact of this variant on CRB1 protein function. Algorithms developed to predict the effect of sequence changes on RNA splicing suggest that this variant may disrupt the consensus splice site. In summary, the available evidence is currently insufficient to determine the role of this variant in disease. Therefore, it has been classified as a Variant of Uncertain Significance.

NM_201253.3(CRB1):c.2003C>T (p.Ala668Val)

Gene: CRB1 (crumbs cell polarity complex component 1; plus strand). Cytogenetic location: 1q31.3.
Variant type: single nucleotide variant.
Coding change: c.2003C>T on transcript NM_201253.3 (MANE Select); coding-DNA position 2003, C replaced by T.
Protein change: p.Ala668Val; replaces alanine 668 with valine.
Molecular consequence: missense variant. On other transcripts: non-coding transcript variant (2).
Genome position (GRCh38, 1-based): chr1:197,421,831, C>T. VCF-style: chr1-197421831-C-T. GRCh37 (hg19) VCF-style: chr1-197390961-C-T.
Other names: c.1667C>T, p.Ala556Val (NM_001193640.2); c.1796C>T, p.Ala599Val (NM_001257965.2); c.2003C>T, p.Ala668Val (NM_001257966.2); short protein forms A556V, A599V, A668V.
Identifiers: ClinVar variation 2187657 (VCV002187657.4), dbSNP rs1664346114, ClinGen allele CA344033376.